The following is an entry in ClinVar:

NM_177972.3(TUB):c.1238G>A (p.Arg413His)

Genes: TUB (TUB bipartite transcription factor; plus strand), RIC3 (RIC3 acetylcholine receptor chaperone; minus strand). Cytogenetic location: 11p15.4.
Variant type: single nucleotide variant.
Coding change: c.1238G>A on transcript NM_177972.3 (MANE Select); coding-DNA position 1238, G replaced by A.
Protein change: p.Arg413His; replaces arginine 413 with histidine.
Molecular consequence: missense variant.
Genome position (GRCh38, 1-based): chr11:8,100,848, G>A. VCF-style: chr11-8100848-G-A. GRCh37 (hg19) VCF-style: chr11-8122395-G-A.
Other names: c.1403G>A, p.Arg468His (NM_003320.5); short protein forms R413H, R468H.
Identifiers: ClinVar variation 856361 (VCV000856361.8), dbSNP rs768751129, ClinGen allele CA5871450.

ClinVar aggregate classification (germline): Uncertain significance. Review status: criteria provided, multiple submitters, no conflicts (2 of 4 stars). 4 submissions from 4 submitters: Uncertain significance (4). Last evaluated 2026-05-18.

Conditions:
TUB-related disorder. Also called: TUB-related condition.

Allele frequency attached by ClinVar (database versions not stated): gnomAD 0.00003 and 0.00004; TOPMed 0.00003; gnomAD exomes 0.00005 and 0.00008; ExAC 0.00007.
gnomAD v4.1: 77 of 1,614,002 alleles (0.0048%); highest among the groups gnomAD compares: Middle Eastern, 0.016%; no homozygotes.

Submissions (4):

PreventionGenetics, part of Exact Sciences
Classification: Uncertain significance for TUB-related condition. Last evaluated: 2026-05-18. Review status: criteria provided, single submitter. Criteria: ACMG Guidelines, 2015. Collection method: clinical testing. Allele origin: germline.
Comment: The TUB c.1403G>A variant is predicted to result in the amino acid substitution p.Arg468His. To our knowledge, this variant has not been reported in the literature. This variant is reported in 0.0098% of alleles in individuals of South Asian descent in gnomAD. At this time, the clinical significance of this variant is uncertain due to the absence of conclusive functional and genetic evidence.

Ambry Genetics
Classification: Uncertain significance. Last evaluated: 2025-04-28. Review status: criteria provided, single submitter. Criteria: Ambry Variant Classification Scheme 2023. Collection method: clinical testing. Allele origin: germline.

Blueprint Genetics
Classification: Uncertain significance. Last evaluated: 2023-12-13. Review status: criteria provided, single submitter. Criteria: ACMG Guidelines, 2015. Collection method: clinical testing. Allele origin: germline.

Labcorp Genetics (formerly Invitae), Labcorp
Classification: Uncertain significance. Last evaluated: 2022-08-19. Review status: criteria provided, single submitter. Criteria: Invitae Variant Classification Sherloc (09022015). Collection method: clinical testing. Allele origin: germline.
Comment: This sequence change replaces arginine, which is basic and polar, with histidine, which is basic and polar, at codon 468 of the TUB protein (p.Arg468His). This variant is present in population databases (rs768751129, gnomAD 0.01%). This variant has not been reported in the literature in individuals affected with TUB-related conditions. ClinVar contains an entry for this variant (Variation ID: 856361). Algorithms developed to predict the effect of missense changes on protein structure and function are either unavailable or do not agree on the potential impact of this missense change (SIFT: "Deleterious"; PolyPhen-2: "Probably Damaging"; Align-GVGD: "Class C0"). In summary, the available evidence is currently insufficient to determine the role of this variant in disease. Therefore, it has been classified as a Variant of Uncertain Significance.